The following is an entry in ClinVar:

NM_004385.5(VCAN):c.5986A>T (p.Thr1996Ser)

Genes: VCAN (versican; plus strand), VCAN-AS1 (VCAN antisense RNA 1; minus strand). Cytogenetic location: 5q14.3.
Variant type: single nucleotide variant.
Coding change: c.5986A>T on transcript NM_004385.5 (MANE Select); coding-DNA position 5986, A replaced by T.
Protein change: p.Thr1996Ser; replaces threonine 1996 with serine.
Molecular consequence: missense variant. On other transcripts: intron variant (2).
Genome position (GRCh38, 1-based): chr5:83,538,989, A>T. VCF-style: chr5-83538989-A-T. GRCh37 (hg19) VCF-style: chr5-82834808-A-T.
Other names: c.3025A>T, p.Thr1009Ser (NM_001164097.2); c.4004-6548A>T (NM_001164098.2); c.1043-6548A>T (NM_001126336.3); short protein forms T1009S, T1996S.
Identifiers: ClinVar variation 1059027 (VCV001059027.9), dbSNP rs1238521660, ClinGen allele CA360311586.

ClinVar aggregate classification (germline): Uncertain significance (1 of 4 stars; one submission).

Allele frequency attached by ClinVar (database versions not stated): gnomAD exomes below 0.00001; TOPMed below 0.00001; gnomAD 0.00001.
gnomAD v4.1: 7 of 1,613,898 alleles (0.00043%); highest among the groups gnomAD compares: Non-Finnish European, 0.00059%; no homozygotes.

Submission:

Labcorp Genetics (formerly Invitae), Labcorp
Classification: Uncertain significance. Last evaluated: 2020-10-18. Review status: criteria provided, single submitter. Criteria: Invitae Variant Classification Sherloc (09022015). Collection method: clinical testing. Allele origin: germline.
Comment: This sequence change replaces threonine with serine at codon 1996 of the VCAN protein (p.Thr1996Ser). The threonine residue is highly conserved and there is a small physicochemical difference between threonine and serine. This variant is not present in population databases (ExAC no frequency). This variant has not been reported in the literature in individuals with VCAN-related conditions. Algorithms developed to predict the effect of missense changes on protein structure and function output the following: SIFT: "Tolerated"; PolyPhen-2: "Benign"; Align-GVGD: "Class C15". The serine amino acid residue is found in multiple mammalian species, suggesting that this missense change does not adversely affect protein function. These predictions have not been confirmed by published functional studies and their clinical significance is uncertain. In summary, the available evidence is currently insufficient to determine the role of this variant in disease. Therefore, it has been classified as a Variant of Uncertain Significance.